The following is an entry in ClinVar:

NM_001134831.2(AHI1):c.1255G>T (p.Glu419Ter)

Gene: AHI1 (Abelson helper integration site 1; minus strand). Cytogenetic location: 6q23.3.
Variant type: single nucleotide variant.
Coding change: c.1255G>T on transcript NM_001134831.2 (MANE Select); coding-DNA position 1255, G replaced by T.
Protein change: p.Glu419Ter; replaces glutamic acid 419 with a stop codon.
Molecular consequence: nonsense.
Genome position (GRCh38, 1-based): chr6:135,455,823, C>A on the plus strand (G>T on the coding strand, the complement: AHI1 is on the minus strand). VCF-style: chr6-135455823-C-A. GRCh37 (hg19) VCF-style: chr6-135776961-C-A.
Other names: c.1255G>T, p.Glu419Ter (NM_017651.5, NM_001134830.2, NM_001134832.2 and 2 more transcripts); short protein forms E419*.
Identifiers: ClinVar variation 2712939 (VCV002712939.4), dbSNP rs2484882747, ClinGen allele CA365746547.

ClinVar aggregate classification (germline): Pathogenic. Review status: criteria provided, multiple submitters, no conflicts (2 of 4 stars). 2 submissions from 2 submitters: Pathogenic (2). Last evaluated 2025-05-17.

Conditions:
Joubert syndrome 3 (JBTS3). Also called: AHI1-related Ciliopathy. Identifiers: Orphanet 220493, MedGen C1837713, MONDO:0012078, OMIM 608629.
Joubert syndrome. Also called: JOUBERT-BOLTSHAUSER SYNDROME; Familial aplasia of the vermis. Identifiers: Orphanet 475, MedGen C5979921, MONDO:0018772.

Allele frequency attached by ClinVar (database versions not stated): gnomAD exomes below 0.00001.
gnomAD v4.1: 1 of 1,601,046 alleles (0.000062%); highest among the groups gnomAD compares: African/African-American, 0.0013%; no homozygotes.

Submissions (2):

Myriad Genetics, Inc.
Classification: Pathogenic for Joubert syndrome 3. Last evaluated: 2025-05-17. Review status: criteria provided, single submitter. Criteria: Myriad Autosomal Dominant, Autosomal Recessive and X-Linked Classification Criteria (2023). Collection method: clinical testing. Allele origin: unknown.
Comment: NM_001134831.1(AHI1):c.1255G>T(E419*) is expected to be pathogenic in the context of Joubert syndrome, AHI1-related. This variant is predicted to lead to an abnormal or absent protein product due to the creation of a premature termination codon in AHI1, a gene where loss-of-function variants are known to be pathogenic. Please note: this variant was assessed in the context of healthy population screening.

Labcorp Genetics (formerly Invitae), Labcorp
Classification: Pathogenic for Joubert syndrome. Last evaluated: 2023-06-14. Review status: criteria provided, single submitter. Criteria: Invitae Variant Classification Sherloc (09022015). Collection method: clinical testing. Allele origin: germline.
Comment: For these reasons, this variant has been classified as Pathogenic. This variant has not been reported in the literature in individuals affected with AHI1-related conditions. This variant is not present in population databases (gnomAD no frequency). This sequence change creates a premature translational stop signal (p.Glu419*) in the AHI1 gene. It is expected to result in an absent or disrupted protein product. Loss-of-function variants in AHI1 are known to be pathogenic (PMID: 15322546, 16453322, 28442542, 29186038).

Literature cited by the submitters: PubMed 15322546 (cited by Labcorp Genetics (formerly Invitae), Labcorp); PubMed 16453322 (cited by Labcorp Genetics (formerly Invitae), Labcorp); PubMed 28442542 (cited by Labcorp Genetics (formerly Invitae), Labcorp); PubMed 29186038 (cited by Labcorp Genetics (formerly Invitae), Labcorp).